The following is an entry in ClinVar:

ClinVar aggregate classification (germline): Uncertain significance (1 of 4 stars; one submission).

Conditions:
Hereditary cancer-predisposing syndrome. Also called: Neoplastic Syndromes, Hereditary; Tumor predisposition; Hereditary neoplastic syndrome; Hereditary Cancer Syndrome. Identifiers: Orphanet 140162, MedGen C0027672, MeSH D009386, MONDO:0015356.

gnomAD v4.1: 1 of 1,614,092 alleles (0.000062%); no homozygotes.

Submission:

Ambry Genetics
Classification: Uncertain significance for Hereditary cancer-predisposing syndrome. Last evaluated: 2023-03-05. Review status: criteria provided, single submitter. Criteria: Ambry Variant Classification Scheme 2023. Collection method: clinical testing. Allele origin: germline.
Comment: The p.F149L variant (also known as c.447C>G), located in coding exon 1 of the GREM1 gene, results from a C to G substitution at nucleotide position 447. The phenylalanine at codon 149 is replaced by leucine, an amino acid with highly similar properties. This amino acid position is conserved. In addition, this alteration is predicted to be tolerated by in silico analysis. Since supporting evidence is limited at this time, the clinical significance of this alteration remains unclear.

NM_013372.7(GREM1):c.447C>G (p.Phe149Leu)

Gene: GREM1 (gremlin 1, DAN family BMP antagonist; plus strand). Cytogenetic location: 15q13.3.
Variant type: single nucleotide variant.
Coding change: c.447C>G on transcript NM_013372.7 (MANE Select); coding-DNA position 447, C replaced by G.
Protein change: p.Phe149Leu; replaces phenylalanine 149 with leucine.
Molecular consequence: missense variant.
Genome position (GRCh38, 1-based): chr15:32,731,137, C>G. VCF-style: chr15-32731137-C-G. GRCh37 (hg19) VCF-style: chr15-33023338-C-G.
Other names: c.237C>G, p.Phe79Leu (NM_001191322.2); c.324C>G, p.Phe108Leu (NM_001191323.2); c.447C>G, p.Phe149Leu (NM_001368719.1); short protein forms F149L, F79L, F108L.
Identifiers: ClinVar variation 2452388 (VCV002452388.2), dbSNP rs2548707992, ClinGen allele CA391557975.